The following is an entry in ClinVar:

ClinVar aggregate classification (germline): Likely benign (0 of 4 stars; one submission).

Conditions:
TRIO-related disorder. Also called: TRIO-related disorders; TRIO-related condition.

gnomAD v4.1: 1 of 1,594,330 alleles (0.000063%); highest among the groups gnomAD compares: Non-Finnish European, 0.000086%; no homozygotes.

Submission:

PreventionGenetics, part of Exact Sciences
Classification: Likely benign for TRIO-related condition. Last evaluated: 2020-05-22. Review status: no assertion criteria provided. Collection method: clinical testing. Allele origin: germline.
Comment: This variant is classified as likely benign based on ACMG/AMP sequence variant interpretation guidelines (Richards et al. 2015 PMID: 25741868, with internal and published modifications).

NM_007118.4(TRIO):c.6741G>A (p.Glu2247=)

Gene: TRIO (trio Rho guanine nucleotide exchange factor; plus strand). Cytogenetic location: 5p15.2.
Variant type: single nucleotide variant.
Coding change: c.6741G>A on transcript NM_007118.4 (MANE Select); coding-DNA position 6741, G replaced by A.
Protein change: p.Glu2247=; no amino-acid change (glutamic acid 2247 retained).
Molecular consequence: synonymous variant. On other transcripts: non-coding transcript variant (1).
Genome position (GRCh38, 1-based): chr5:14,485,152, G>A. VCF-style: chr5-14485152-G-A. GRCh37 (hg19) VCF-style: chr5-14485261-G-A.
Identifiers: ClinVar variation 3036441 (VCV003036441.2), dbSNP rs1258664728, ClinGen allele CA443278829.